The following is an entry in ClinVar:

NM_015160.3(PMPCA):c.991-2A>G

Gene: PMPCA (peptidase, mitochondrial processing subunit alpha; plus strand). Cytogenetic location: 9q34.3.
Variant type: single nucleotide variant.
Coding change: c.991-2A>G on transcript NM_015160.3 (MANE Select); the canonical splice acceptor site of the intron before coding-DNA position 991, A replaced by G.
Molecular consequence: splice acceptor variant.
Genome position (GRCh38, 1-based): chr9:136,418,553, A>G. VCF-style: chr9-136418553-A-G. GRCh37 (hg19) VCF-style: chr9-139313005-A-G.
Other names: c.691-2A>G (NM_001282946.2); c.598-2A>G (NM_001282944.2).
Identifiers: ClinVar variation 4856110 (VCV004856110.1).

ClinVar aggregate classification (germline): Likely pathogenic (1 of 4 stars; one submission).

Conditions:
Autosomal recessive spinocerebellar ataxia 2. Also called: CEREBELLAR GRANULAR CELL HYPOPLASIA AND MENTAL RETARDATION, CONGENITAL; CEREBELLAR HYPOPLASIA, NONPROGRESSIVE NORMAN TYPE; CEREBELLOPARENCHYMAL DISORDER III; CPD III. Identifiers: Orphanet 1170, MedGen C1859298, MONDO:0008943, OMIM 213200.

Submission:

3billion
Classification: Likely pathogenic for Autosomal recessive spinocerebellar ataxia 2. Last evaluated: 2025-09-02. Review status: criteria provided, single submitter. Criteria: ACMG Guidelines, 2015. Collection method: clinical testing. Allele origin: germline. Affected: yes.
Comment: The variant is not observed in the gnomAD v4.1.0 dataset. Predicted Consequence/Location: Canonical splice site: predicted to alter splicing and result in a loss or disruption of normal protein function. Multiple pathogenic loss-of-function variants are reported downstream of the variant. In silico tools predict the variant to alter splicing and produce an abnormal transcript [SpliceAI: 0.99 (spliceogenicity >=0.2, non-spliceogenicity <0.1)]. Therefore, this variant is classified as Likely pathogenic according to the recommendation of ACMG/AMP guideline.